The following is an entry in ClinVar:

NM_018847.4(KLHL9):c.1294A>C (p.Met432Leu)

Gene: KLHL9 (kelch like family member 9; minus strand). Cytogenetic location: 9p21.3.
Variant type: single nucleotide variant.
Coding change: c.1294A>C on transcript NM_018847.4 (MANE Select); coding-DNA position 1294, A replaced by C.
Protein change: p.Met432Leu; replaces methionine 432 with leucine.
Molecular consequence: missense variant.
Genome position (GRCh38, 1-based): chr9:21,333,566, T>G on the plus strand (A>C on the coding strand, the complement: KLHL9 is on the minus strand). VCF-style: chr9-21333566-T-G. GRCh37 (hg19) VCF-style: chr9-21333565-T-G.
Other names: short protein forms M432L.
Identifiers: ClinVar variation 1376696 (VCV001376696.6), dbSNP rs2133030897, ClinGen allele CA373069210.

ClinVar aggregate classification (germline): Uncertain significance (1 of 4 stars; one submission).

Submission:

Labcorp Genetics (formerly Invitae), Labcorp
Classification: Uncertain significance. Last evaluated: 2022-07-12. Review status: criteria provided, single submitter. Criteria: Invitae Variant Classification Sherloc (09022015). Collection method: clinical testing. Allele origin: germline.
Comment: This variant is not present in population databases (gnomAD no frequency). This variant has not been reported in the literature in individuals affected with KLHL9-related conditions. ClinVar contains an entry for this variant (Variation ID: 1376696). Algorithms developed to predict the effect of missense changes on protein structure and function are either unavailable or do not agree on the potential impact of this missense change (SIFT: "Not Available"; PolyPhen-2: "Benign"; Align-GVGD: "Not Available"). This sequence change replaces methionine with leucine at codon 432 of the KLHL9 protein (p.Met432Leu). The methionine residue is highly conserved and there is a small physicochemical difference between methionine and leucine. In summary, the available evidence is currently insufficient to determine the role of this variant in disease. Therefore, it has been classified as a Variant of Uncertain Significance.